The following is an entry in ClinVar:

NM_001267550.2(TTN):c.101936C>G (p.Pro33979Arg)

Genes: TTN (titin; minus strand), TTN-AS1 (TTN antisense RNA 1; plus strand). Cytogenetic location: 2q31.2.
Variant type: single nucleotide variant.
Coding change: c.101936C>G on transcript NM_001267550.2 (MANE Select); coding-DNA position 101936, C replaced by G.
Protein change: p.Pro33979Arg; replaces proline 33979 with arginine.
Molecular consequence: missense variant.
Genome position (GRCh38, 1-based): chr2:178,534,679, G>C on the plus strand (C>G on the coding strand, the complement: TTN is on the minus strand). VCF-style: chr2-178534679-G-C. GRCh37 (hg19) VCF-style: chr2-179399406-G-C.
Other names: p.P32338R:CCA>CGA; c.75317C>G, p.Pro25106Arg (NM_133437.4); c.97013C>G, p.Pro32338Arg (NM_001256850.1); c.74741C>G, p.Pro24914Arg (NM_003319.4); c.94232C>G, p.Pro31411Arg (NM_133378.4); c.75116C>G, p.Pro25039Arg (NM_133432.3); short protein forms P33979R, P31411R, P32338R, P24914R, P25039R, P25106R.
Identifiers: ClinVar variation 47644 (VCV000047644.29), dbSNP rs200238877, ClinGen allele CA141579.

ClinVar aggregate classification (germline): Likely benign. Review status: criteria provided, multiple submitters, no conflicts (2 of 4 stars). 8 submissions from 8 submitters: Likely benign (7). 1 of the submissions does not count toward it. Last evaluated 2026-01-25.

Conditions:
Dilated cardiomyopathy 1G (CMD1G). Identifiers: Orphanet 154, MedGen C1858763, MONDO:0011400, OMIM 604145.
Autosomal recessive limb-girdle muscular dystrophy type 2J (LGMDR10). Also called: MUSCULAR DYSTROPHY, LIMB-GIRDLE, AUTOSOMAL RECESSIVE 10; Limb-girdle muscular dystrophy, type 2J. Identifiers: Orphanet 140922, MedGen C1837342, MONDO:0012127, OMIM 608807.
Cardiovascular phenotype. Identifiers: MedGen CN230736.
TTN-related disorder. Also called: TTN-related disorders; TTN-related condition; TTN-related disease.

Allele frequency attached by ClinVar (database versions not stated): gnomAD exomes 0.00009 and 0.00021; 1000 Genomes Project 30x 0.00094; TOPMed 0.00096; 1000 Genomes Project 0.00100; ESP Exome Variant Server 0.00090; gnomAD 0.00094 and 0.00086; ExAC 0.00030.
gnomAD v4.1: 270 of 1,613,782 alleles (0.017%); highest among the groups gnomAD compares: African/African-American, 0.34%; no homozygotes.

Submissions (8):

Labcorp Genetics (formerly Invitae), Labcorp
Classification: Likely benign for Dilated cardiomyopathy 1G; Autosomal recessive limb-girdle muscular dystrophy type 2J. Last evaluated: 2026-01-25. Review status: criteria provided, single submitter. Criteria: Invitae Variant Classification Sherloc (09022015). Collection method: clinical testing. Allele origin: germline.

ARUP Laboratories, Molecular Genetics and Genomics, ARUP Laboratories
Classification: Likely benign. Last evaluated: 2025-05-20. Review status: criteria provided, single submitter. Criteria: ARUP Molecular Germline Variant Investigation Process 2024. Collection method: clinical testing. Allele origin: germline.

Blueprint Genetics
Classification: Likely benign. Last evaluated: 2023-10-05. Review status: criteria provided, single submitter. Criteria: ACMG Guidelines, 2015. Collection method: clinical testing. Allele origin: germline.

GeneDx
Classification: Likely benign. Last evaluated: 2021-04-19. Review status: criteria provided, single submitter. Criteria: GeneDx Variant Classification Process June 2021. Collection method: clinical testing. Allele origin: germline. Affected: yes.
Comment: This variant is associated with the following publications: (PMID: 23396983)

Ambry Genetics
Classification: Likely benign for Cardiovascular phenotype. Last evaluated: 2018-05-09. Review status: criteria provided, single submitter. Criteria: Ambry Variant Classification Scheme 2023. Collection method: clinical testing. Allele origin: germline.

Eurofins Ntd Llc (ga)
Classification: Likely benign. Last evaluated: 2017-02-28. Review status: criteria provided, single submitter. Criteria: EGL Classification Definitions 2015. Collection method: clinical testing. Allele origin: germline. Observed: 3 variant alleles, 3 heterozygotes.

Laboratory for Molecular Medicine, Mass General Brigham Personalized Medicine
Classification: Likely benign. Last evaluated: 2012-04-10. Review status: criteria provided, single submitter. Criteria: LMM Criteria. Collection method: clinical testing. Allele origin: germline. Observed: 2 variant alleles.
Comment: Pro31411Arg in Exon 307 of TTN: This variant is not expected to have clinical si gnificance because it has been identified in 0.3% (10/3216) of African American chromosomes from a broad population by the NHLBI Exome Sequencing Project. Pro31411Arg in Exon 307 of TTN (allele frequency = 0.3%, 10/3216) **

PreventionGenetics, part of Exact Sciences
Classification: Likely benign for TTN-related condition. Last evaluated: 2020-07-14. Review status: no assertion criteria provided. Collection method: clinical testing. Allele origin: germline. Not counted in ClinVar's aggregate classification.
Comment: This variant is classified as likely benign based on ACMG/AMP sequence variant interpretation guidelines (Richards et al. 2015 PMID: 25741868, with internal and published modifications).